The following is an entry in ClinVar:

NM_000094.4(COL7A1):c.7485+10G>A

Gene: COL7A1 (collagen type VII alpha 1 chain; minus strand). Cytogenetic location: 3p21.31.
Variant type: single nucleotide variant.
Coding change: c.7485+10G>A on transcript NM_000094.4 (MANE Select); 10 bases into the intron after coding-DNA position 7485, G replaced by A.
Molecular consequence: intron variant.
Genome position (GRCh38, 1-based): chr3:48,570,124, C>T on the plus strand (G>A on the coding strand, the complement: COL7A1 is on the minus strand). VCF-style: chr3-48570124-C-T. GRCh37 (hg19) VCF-style: chr3-48607557-C-T.
Identifiers: ClinVar variation 738884 (VCV000738884.10), dbSNP rs773906373, ClinGen allele CA2378484.

ClinVar aggregate classification (germline): Likely benign. Review status: criteria provided, single submitter (1 of 4 stars). 2 submissions from 2 submitters: Likely benign (1). 1 of the submissions does not count toward it. Last evaluated 2025-06-24.

Conditions:
COL7A1-related disorder. Also called: COL7A1-related condition; COL7A1- related disorders.

Allele frequency attached by ClinVar (database versions not stated): ExAC 0.00002; gnomAD 0.00002 and 0.00004; gnomAD exomes 0.00002; TOPMed 0.00003.
gnomAD v4.1: 40 of 1,613,918 alleles (0.0025%); highest among the groups gnomAD compares: South Asian, 0.0044%; no homozygotes.

Submissions (2):

Labcorp Genetics (formerly Invitae), Labcorp
Classification: Likely benign. Last evaluated: 2025-06-24. Review status: criteria provided, single submitter. Criteria: Invitae Variant Classification Sherloc (09022015). Collection method: clinical testing. Allele origin: germline.

PreventionGenetics, part of Exact Sciences
Classification: Likely benign for COL7A1-related condition. Last evaluated: 2019-07-04. Review status: no assertion criteria provided. Collection method: clinical testing. Allele origin: germline. Not counted in ClinVar's aggregate classification.
Comment: This variant is classified as likely benign based on ACMG/AMP sequence variant interpretation guidelines (Richards et al. 2015 PMID: 25741868, with internal and published modifications).